The following is an entry in ClinVar:

ClinVar aggregate classification (germline): Uncertain significance. Review status: criteria provided, multiple submitters, no conflicts (2 of 4 stars). 4 submissions from 4 submitters: Uncertain significance (4). Last evaluated 2026-01-21.

Conditions:
Vitelliform macular dystrophy 2. Also called: Best Macular Dystrophy; MACULAR DEGENERATION, POLYMORPHIC VITELLINE; VITELLIFORM MACULAR DYSTROPHY, EARLY-ONSET; VITELLIFORM MACULAR DYSTROPHY, JUVENILE-ONSET; Best Vitelliform Macular Dystrophy (BVMD); Best vitelliform macular dystrophy, multifocal. Identifiers: Orphanet 1243, MedGen C2745945, MONDO:0007931, OMIM 153700.

Allele frequency attached by ClinVar (database versions not stated): gnomAD exomes below 0.00001; gnomAD 0.00001; TOPMed 0.00001.

Submissions (4):

Labcorp Genetics (formerly Invitae), Labcorp
Classification: Uncertain significance. Last evaluated: 2026-01-21. Review status: criteria provided, single submitter. Criteria: Invitae Variant Classification Sherloc (09022015). Collection method: clinical testing. Allele origin: germline.
Comment: This sequence change replaces leucine, which is neutral and non-polar, with isoleucine, which is neutral and non-polar, at codon 271 of the BEST1 protein (p.Leu271Ile). This variant is present in population databases (no rsID available, gnomAD 0.002%). This variant has not been reported in the literature in individuals affected with BEST1-related conditions. ClinVar contains an entry for this variant (Variation ID: 2499477). Invitae Evidence Modeling of protein sequence and biophysical properties (such as structural, functional, and spatial information, amino acid conservation, physicochemical variation, residue mobility, and thermodynamic stability) indicates that this missense variant is expected to disrupt BEST1 protein function with a positive predictive value of 95%. In summary, the available evidence is currently insufficient to determine the role of this variant in disease. Therefore, it has been classified as a Variant of Uncertain Significance.

Blueprint Genetics
Classification: Uncertain significance. Last evaluated: 2023-05-09. Review status: criteria provided, single submitter. Criteria: ACMG Guidelines, 2015. Collection method: clinical testing. Allele origin: germline.

Women's Health and Genetics/Laboratory Corporation of America, LabCorp
Classification: Uncertain significance. Last evaluated: 2023-04-27. Review status: criteria provided, single submitter. Criteria: LabCorp Variant Classification Summary - May 2015. Collection method: clinical testing. Allele origin: germline.
Comment: Variant summary: BEST1 c.811C>A (p.Leu271Ile) results in a conservative amino acid change in the encoded protein sequence. Three of five in-silico tools predict a damaging effect of the variant on protein function. The variant allele was found at a frequency of 8e-06 in 251486 control chromosomes. The available data on variant occurrences in the general population are insufficient to allow any conclusion about variant significance. To our knowledge, no occurrence of c.811C>A in individuals affected with BEST1-Related Disorders and no experimental evidence demonstrating its impact on protein function have been reported. One clinical diagnostic laboratory has submitted clinical-significance assessments for this variant to ClinVar after 2014 and classified the variant as uncertain significance. Based on the evidence outlined above, the variant was classified as uncertain significance.

Institute of Human Genetics, University of Goettingen
Classification: Uncertain significance for Vitelliform macular dystrophy 2. Last evaluated: 2023-04-19. Review status: criteria provided, single submitter. Criteria: ACMG Guidelines, 2015. Collection method: clinical testing. Allele origin: unknown. Inheritance: Autosomal dominant inheritance. Observed: 1 heterozygote.
Comment: The variant c.811C>A (p.(Leu271Ile)) in exon 7 of the BEST1-gene is found at a very low frequency in the gnomAD database (< 0.001%), it affects a moderately conserved nucleotide, a moderately conserved amino acid within a protein domain and there is a small physicochemical difference between Leu and Ile. ACMG criteria used for classification: PM2, PP2.

NM_004183.4(BEST1):c.811C>A (p.Leu271Ile)

Gene: BEST1 (bestrophin 1; plus strand). Cytogenetic location: 11q12.3.
Variant type: single nucleotide variant.
Coding change: c.811C>A on transcript NM_004183.4 (MANE Select); coding-DNA position 811, C replaced by A.
Protein change: p.Leu271Ile; replaces leucine 271 with isoleucine.
Molecular consequence: missense variant. On other transcripts: non-coding transcript variant (1).
Genome position (GRCh38, 1-based): chr11:61,958,242, C>A. VCF-style: chr11-61958242-C-A. GRCh37 (hg19) VCF-style: chr11-61725714-C-A.
Other names: c.631C>A, p.Leu211Ile (NM_001139443.3, NM_001300786.2, NM_001300787.2); c.493C>A, p.Leu165Ile (NM_001363591.3); c.811C>A, p.Leu271Ile (NM_001363592.2); c.-365C>A (NM_001363593.3); c.811C>A (NM_004183.3); short protein forms L165I, L211I, L271I.
Identifiers: ClinVar variation 2499477 (VCV002499477.6), dbSNP rs1308281595, ClinGen allele CA380839962.